The following is an entry in ClinVar:

NM_078480.3(PUF60):c.98G>A (p.Trp33Ter)

Gene: PUF60 (poly(U) binding splicing factor 60; minus strand). Cytogenetic location: 8q24.3.
Variant type: single nucleotide variant.
Coding change: c.98G>A on transcript NM_078480.3 (MANE Select); coding-DNA position 98, G replaced by A.
Protein change: p.Trp33Ter; replaces tryptophan 33 with a stop codon.
Molecular consequence: nonsense. On other transcripts: 5 prime UTR variant (2), intron variant (2).
Genome position (GRCh38, 1-based): chr8:143,824,326, C>T on the plus strand (G>A on the coding strand, the complement: PUF60 is on the minus strand). VCF-style: chr8-143824326-C-T. GRCh37 (hg19) VCF-style: chr8-144906496-C-T.
Other names: c.-32G>A (NM_001136033.3, NM_001271100.2); c.95G>A, p.Trp32Ter (NM_001271096.2, NM_001271098.2); c.209G>A, p.Trp70Ter (NM_001362895.2, NM_001362896.2, NM_001362897.2); c.98G>A, p.Trp33Ter (NM_014281.5); c.25-2413G>A (NM_001271097.2, NM_001271099.2); short protein forms W32*, W33*, W70*.
Identifiers: ClinVar variation 3731456 (VCV003731456.1).

ClinVar aggregate classification (germline): Uncertain significance (1 of 4 stars; one submission).

Conditions:
8q24.3 microdeletion syndrome. Also called: CHROMOSOME 8q24.3 DELETION SYNDROME; Verheij syndrome. Identifiers: Orphanet 508488, MedGen C3810023, MONDO:0014263, OMIM 615583.

Submission:

Neuberg Centre For Genomic Medicine, NCGM
Classification: Uncertain significance for 8q24.3 microdeletion syndrome. Review status: criteria provided, single submitter. Criteria: ACMG Guidelines, 2015. Collection method: clinical testing. Allele origin: germline. Inheritance: Autosomal dominant inheritance. Affected: yes.
Comment: The stop gained c.98G>A (p.Trp33Ter) variant in the PUF60 gene has not been reported previously as a pathogenic variant nor as a benign variant, to our knowledge. This variant is absent in the gnomAD Exomes. This variant is predicted to cause loss of normal protein function either through protein truncation or nonsense-mediated mRNA decay. Loss of function variants have been previously reported to be disease causing. Computational evidence (MutationTaster - Disease causing) predicts damaging effect on protein structure and function for this variant. Though the detected variant is a loss of function variant and downstream variants have been reported, the above variant is in exon 2 which is alternatively spliced. No disease causing variants have been reported within this exon till date. Hence the above variant has been classified as uncertain significance. Proband and parental sanger is recommended. The above variant will be reclassified as significant if proved de novo.